The following is an entry in ClinVar:

ClinVar aggregate classification (germline): Uncertain significance. Review status: criteria provided, multiple submitters, no conflicts (2 of 4 stars). 6 submissions from 6 submitters: Uncertain significance (6). Last evaluated 2026-01-10.

Conditions:
Hereditary cancer-predisposing syndrome. Also called: Tumor predisposition; Hereditary Cancer Syndrome; Hereditary neoplastic syndrome; Neoplastic Syndromes, Hereditary. Identifiers: Orphanet 140162, MedGen C0027672, MeSH D009386, MONDO:0015356.
Peutz-Jeghers syndrome (PJS). Also called: POLYPOSIS, HAMARTOMATOUS INTESTINAL; POLYPS-AND-SPOTS SYNDROME; Peutz-Jeghers polyposis; Periorificial lentiginosis syndrome. Identifiers: Orphanet 2869, MedGen C0031269, MeSH D010580, MONDO:0008280, OMIM 175200.

Allele frequency attached by ClinVar (database versions not stated): gnomAD exomes below 0.00001 and 0.00001; ExAC 0.00001.
gnomAD v4.1: 2 of 1,613,704 alleles (0.00012%); highest among the groups gnomAD compares: Non-Finnish European, 0.00017%; no homozygotes.

Submissions (6):

Labcorp Genetics (formerly Invitae), Labcorp
Classification: Uncertain significance for Peutz-Jeghers syndrome. Last evaluated: 2026-01-10. Review status: criteria provided, single submitter. Criteria: Invitae Variant Classification Sherloc (09022015). Collection method: clinical testing. Allele origin: germline.
Comment: This sequence change replaces glutamine, which is neutral and polar, with glutamic acid, which is acidic and polar, at codon 112 of the STK11 protein (p.Gln112Glu). This variant is present in population databases (rs771049807, gnomAD 0.002%). This missense change has been observed in individual(s) with advanced cancer of an unspecified type (PMID: 28873162). ClinVar contains an entry for this variant (Variation ID: 185602). Invitae Evidence Modeling of protein sequence and biophysical properties (such as structural, functional, and spatial information, amino acid conservation, physicochemical variation, residue mobility, and thermodynamic stability) has been performed for this missense variant. However, the output from this modeling did not meet the statistical confidence thresholds required to predict the impact of this variant on STK11 protein function. Experimental studies have shown that this missense change does not substantially affect STK11 function (PMID: 34849607). In summary, the available evidence is currently insufficient to determine the role of this variant in disease. Therefore, it has been classified as a Variant of Uncertain Significance.

Ambry Genetics
Classification: Uncertain significance for Hereditary cancer-predisposing syndrome. Last evaluated: 2025-10-11. Review status: criteria provided, single submitter. Criteria: Ambry Variant Classification Scheme 2023. Collection method: clinical testing. Allele origin: germline.
Comment: The p.Q112E variant (also known as c.334C>G), located in coding exon 2 of the STK11 gene, results from a C to G substitution at nucleotide position 334. The glutamine at codon 112 is replaced by glutamic acid, an amino acid with highly similar properties. Based on protein sequence alignment, this amino acid position is highly conserved in available vertebrate species. In addition, the in silico prediction for this alteration is inconclusive. Since supporting evidence is limited at this time, the clinical significance of this alteration remains unclear.

Color Diagnostics, LLC DBA Color Health
Classification: Uncertain significance for Hereditary cancer-predisposing syndrome. Last evaluated: 2025-01-13. Review status: criteria provided, single submitter. Criteria: ACMG Guidelines, 2015. Collection method: clinical testing. Allele origin: germline.
Comment: This missense variant replaces glutamine with glutamic acid at codon 112 of the STK11 protein. Computational prediction suggests that this variant may not impact protein structure and function. Functional studies have shown that the mutant protein retained autophosphorylation activity in an in vitro kinase assay (PMID: 34849607). This variant has been reported in an individual affected with advanced cancer (PMID: 28873162). This variant has been identified in 2/249176 chromosomes in the general population by the Genome Aggregation Database (gnomAD). The available evidence is insufficient to determine the role of this variant in disease conclusively. Therefore, this variant is classified as a Variant of Uncertain Significance.

All of Us Research Program, National Institutes of Health
Classification: Uncertain significance for Peutz-Jeghers syndrome. Last evaluated: 2023-09-18. Review status: criteria provided, single submitter. Criteria: ACMG Guidelines, 2015. Collection method: clinical testing. Allele origin: germline. Inheritance: Autosomal dominant inheritance. Observed: 3 variant alleles, 3 heterozygotes.
Comment: This missense variant replaces glutamine with glutamic acid at codon 112 of the STK11 protein. Computational prediction suggests that this variant may not impact protein structure and function (internally defined REVEL score threshold <= 0.5, PMID: 27666373). Functional studies have shown that the mutant protein retained autophosphorylation activity in an in vitro kinase assay (PMID: 34849607). This variant has been reported in an individual affected with advanced cancer (PMID: 28873162). This variant has been identified in 2/249176 chromosomes in the general population by the Genome Aggregation Database (gnomAD). The available evidence is insufficient to determine the role of this variant in disease conclusively. Therefore, this variant is classified as a Variant of Uncertain Significance.

This study involves interpretation of variants in research participants for the purpose of population health screening. Participant phenotype was not available at the time of variant classification. Additional details can be found in publication PMID: 35346344, PMCID: PMC8962531

Sema4
Classification: Uncertain significance for Hereditary cancer-predisposing syndrome. Last evaluated: 2021-08-05. Review status: criteria provided, single submitter. Criteria: Sema4 Curation Guidelines. Collection method: curation. Allele origin: germline.
Comment: The STK11 c.334C>G (p.Q112E) variant has not been reported in the literature to our knowledge. It was observed in 2/112950 chromosomes in the Non-Finnish European subpopulation in the large and broad cohorts of the Genome Aggregation Database (PMID: 32461654). The variant has been reported in ClinVar (Variation ID: 185602). Functional studies have not been performed, and in silico predictions of the variant's effect on protein function are inconclusive. The evidence is insufficient to meet ACMG/AMP criteria for classifying the variant as benign or pathogenic. Thus, the clinical significance of this variant is currently uncertain.

Genome-Nilou Lab
Classification: Uncertain significance for Peutz-Jeghers syndrome. Last evaluated: 2021-07-15. Review status: criteria provided, single submitter. Criteria: ACMG Guidelines, 2015. Collection method: clinical testing. Allele origin: germline. Affected: no.

Literature cited by the submitters: PubMed 28873162 (cited by 3 submitters); PubMed 34849607 (cited by 3 submitters).

NM_000455.5(STK11):c.334C>G (p.Gln112Glu)

Gene: STK11 (serine/threonine kinase 11; plus strand). Cytogenetic location: 19p13.3.
Variant type: single nucleotide variant.
Coding change: c.334C>G on transcript NM_000455.5 (MANE Select); coding-DNA position 334, C replaced by G.
Protein change: p.Gln112Glu; replaces glutamine 112 with glutamic acid.
Molecular consequence: missense variant.
Genome position (GRCh38, 1-based): chr19:1,218,460, C>G. VCF-style: chr19-1218460-C-G. GRCh37 (hg19) VCF-style: chr19-1218459-C-G.
Other names: short protein forms Q112E.
Identifiers: ClinVar variation 185602 (VCV000185602.23), dbSNP rs771049807, ClinGen allele CA022828.